The following is an entry in ClinVar:

NM_000492.4(CFTR):c.3518G>T (p.Gly1173Val)

Genes: CFTR (CF transmembrane conductance regulator; plus strand), CFTR-AS2 (CFTR antisense RNA 2; minus strand). Cytogenetic location: 7q31.2.
Variant type: single nucleotide variant.
Coding change: c.3518G>T on transcript NM_000492.4 (MANE Select); coding-DNA position 3518, G replaced by T.
Protein change: p.Gly1173Val; replaces glycine 1173 with valine.
Molecular consequence: missense variant.
Genome position (GRCh38, 1-based): chr7:117,627,571, G>T. VCF-style: chr7-117627571-G-T. GRCh37 (hg19) VCF-style: chr7-117267625-G-T.
Other names: short protein forms G1173V.
Identifiers: ClinVar variation 4651154 (VCV004651154.1).

ClinVar aggregate classification (germline): Uncertain significance (1 of 4 stars; one submission).

Conditions:
Cystic fibrosis (CF). Also called: MUCOVISCIDOSIS. Identifiers: Orphanet 586, MedGen C0010674, MONDO:0009061, OMIM 219700. Disease mechanism: loss of function.

Submission:

Ambry Genetics
Classification: Uncertain significance for Cystic fibrosis. Last evaluated: 2025-11-30. Review status: criteria provided, single submitter. Criteria: Ambry Variant Classification Scheme 2023. Collection method: clinical testing. Allele origin: germline.
Comment: The p.G1173V variant (also known as c.3518G>T), located in coding exon 22 of the CFTR gene, results from a G to T substitution at nucleotide position 3518. The glycine at codon 1173 is replaced by valine, an amino acid with dissimilar properties. This amino acid position is conserved. In addition, this alteration is predicted to be tolerated by in silico analysis. Based on the available evidence, the clinical significance of this variant remains unclear.